The following is an entry in ClinVar:

NM_198525.3(KIF7):c.2873G>T (p.Ser958Ile)

Gene: KIF7 (kinesin family member 7; minus strand). Cytogenetic location: 15q26.1.
Variant type: single nucleotide variant.
Coding change: c.2873G>T on transcript NM_198525.3 (MANE Select); coding-DNA position 2873, G replaced by T.
Protein change: p.Ser958Ile; replaces serine 958 with isoleucine.
Molecular consequence: missense variant.
Genome position (GRCh38, 1-based): chr15:89,632,842, C>A on the plus strand (G>T on the coding strand, the complement: KIF7 is on the minus strand). VCF-style: chr15-89632842-C-A. GRCh37 (hg19) VCF-style: chr15-90176073-C-A.
Other names: short protein forms S958I.
Identifiers: ClinVar variation 96651 (VCV000096651.33), dbSNP rs3803530, ClinGen allele CA020297.
Genomic context (GRCh38, chr15:89,632,842, plus strand): 5'-GACCTCACCTGGCAGGATCTCTCCTGGCAGGGCCTCACCTGGCTGGATCTCAGGCGCTTG[C>A]TCTCCAGCCCCGTCTTCTCCTGCATCAGGGCCTCCTTCTTGGCCAGGATGGCCTCCCGCT-3'
Protein context (NP_940927.2, residues 948-968): ALMQEKTGLE[Ser958Ile]KRLRSSQALN

ClinVar aggregate classification (germline): Benign. Review status: criteria provided, multiple submitters, no conflicts (2 of 4 stars). 18 submissions from 16 submitters: Benign (12). 6 of the submissions do not count toward it. Last evaluated 2026-02-04.

Conditions:
Multiple epiphyseal dysplasia, Al-Gazali type. Also called: Macrocephaly with multiple epiphyseal dysplasia and distinctive facies. Identifiers: Orphanet 166024, MedGen C1846722, MONDO:0011778, OMIM 607131.
Hydrolethalus syndrome 2 (HLS2). Identifiers: Orphanet 2189, MedGen C3279899, MONDO:0013585, OMIM 614120.
Acrocallosal syndrome (ACLS). Also called: Schinzel syndrome 1; Absence of corpus callosum with unusual facial appearance, mental deficiency, duplication of the halluces and polydactyly; HALLUX DUPLICATION, POSTAXIAL POLYDACTYLY, AND ABSENCE OF CORPUS CALLOSUM. Identifiers: Orphanet 36, MedGen C0796147, MONDO:0008708, OMIM 200990.

Allele frequency attached by ClinVar (database versions not stated): ESP Exome Variant Server 0.53731; gnomAD 0.52052 and 0.52464; ExAC 0.52546; TOPMed 0.50498; 1000 Genomes Project 0.43830; 1000 Genomes Project 30x 0.44269; gnomAD exomes 0.51530.
gnomAD v4.1: 895,588 of 1,605,504 alleles (56%); highest among the groups gnomAD compares: Non-Finnish European, 59%; 253,262 homozygotes.

Submissions (18):

Labcorp Genetics (formerly Invitae), Labcorp
Classification: Benign for Acrocallosal syndrome. Last evaluated: 2026-02-04. Review status: criteria provided, single submitter. Criteria: Invitae Variant Classification Sherloc (09022015). Collection method: clinical testing. Allele origin: germline.

Blueprint Genetics
Classification: Benign. Last evaluated: 2024-11-28. Review status: criteria provided, single submitter. Criteria: ACMG Guidelines, 2015. Collection method: clinical testing. Allele origin: germline.

Mayo Clinic Laboratories, Mayo Clinic
Classification: Benign. Last evaluated: 2022-03-09. Review status: criteria provided, single submitter. Criteria: ACMG Guidelines, 2015. Collection method: clinical testing. Allele origin: germline. Observed: 53 variant alleles.

Genome-Nilou Lab
Classification: Benign for Multiple epiphyseal dysplasia, Al-Gazali type. Last evaluated: 2021-08-19. Review status: criteria provided, single submitter. Criteria: ACMG Guidelines, 2015. Collection method: clinical testing. Allele origin: germline. Affected: no.

Genome-Nilou Lab
Classification: Benign for Hydrolethalus syndrome 2. Last evaluated: 2021-08-19. Review status: criteria provided, single submitter. Criteria: ACMG Guidelines, 2015. Collection method: clinical testing. Allele origin: germline. Affected: no.

Genome-Nilou Lab
Classification: Benign for Acrocallosal syndrome. Last evaluated: 2021-08-19. Review status: criteria provided, single submitter. Criteria: ACMG Guidelines, 2015. Collection method: clinical testing. Allele origin: germline. Affected: no.

Mendelics
Classification: Benign for Acrocallosal syndrome. Last evaluated: 2019-05-28. Review status: criteria provided, single submitter. Criteria: Mendelics Assertion Criteria 2017. Collection method: clinical testing. Allele origin: unknown.

Illumina Laboratory Services, Illumina
Classification: Benign for Acrocallosal syndrome. Last evaluated: 2018-01-13. Review status: criteria provided, single submitter. Criteria: ICSL Variant Classification Criteria 13 December 2019. Collection method: clinical testing. Allele origin: germline.
Comment: This variant was observed in the ICSL laboratory as part of a predisposition screen in an ostensibly healthy population. It had not been previously curated by ICSL or reported in the Human Gene Mutation Database (HGMD: prior to June 1st, 2018), and was therefore a candidate for classification through an automated scoring system. Utilizing variant allele frequency, disease prevalence and penetrance estimates, and inheritance mode, an automated score was calculated to assess if this variant is too frequent to cause the disease. Based on the score and internal cut-off values, a variant classified as benign is not then subjected to further curation. The score for this variant resulted in a classification of benign for this disease.

GeneDx
Classification: Benign. Last evaluated: 2015-03-03. Review status: criteria provided, single submitter. Criteria: GeneDx Variant Classification Process June 2021. Collection method: clinical testing. Allele origin: germline. Affected: yes.

Eurofins Ntd Llc (ga)
Classification: Benign. Last evaluated: 2013-03-06. Review status: criteria provided, single submitter. Criteria: EGL Classification Definitions 2015. Collection method: clinical testing. Allele origin: germline. Observed: 5 variant alleles, 5 homozygotes.

Breakthrough Genomics
Classification: Benign. Review status: criteria provided, single submitter. Criteria: ACMG Guidelines, 2015. Collection method: not provided. Allele origin: germline. Inheritance: Autosomal recessive inheritance. Affected: yes.

PreventionGenetics, part of Exact Sciences
Classification: Benign. Review status: criteria provided, single submitter. Criteria: ACMG Guidelines, 2015. Collection method: clinical testing. Allele origin: germline.

Clinical Genetics DNA and cytogenetics Diagnostics Lab, Erasmus MC, Erasmus Medical Center
Classification: Benign. Review status: no assertion criteria provided. Collection method: clinical testing. Allele origin: germline. Affected: yes. Study: VKGL Data-share Consensus. Not counted in ClinVar's aggregate classification.

Clinical Genetics, Academic Medical Center
Classification: Benign. Review status: no assertion criteria provided. Collection method: clinical testing. Allele origin: germline. Affected: yes. Study: VKGL Data-share Consensus. Not counted in ClinVar's aggregate classification.

Diagnostic Laboratory, Department of Genetics, University Medical Center Groningen
Classification: Benign. Review status: no assertion criteria provided. Collection method: clinical testing. Allele origin: germline. Affected: yes. Study: VKGL Data-share Consensus. Not counted in ClinVar's aggregate classification.

Genetic Services Laboratory, University of Chicago
Classification: Likely benign for AllHighlyPenetrant. Review status: no assertion criteria provided. Collection method: clinical testing. Allele origin: germline. Inheritance: Autosomal recessive inheritance. Not counted in ClinVar's aggregate classification.
Comment: Likely benign based on allele frequency in 1000 Genomes Project or ESP global frequency and its presence in a patient with a rare or unrelated disease phenotype. NOT Sanger confirmed.

Genome Diagnostics Laboratory, University Medical Center Utrecht
Classification: Benign. Review status: no assertion criteria provided. Collection method: clinical testing. Allele origin: germline. Affected: yes. Study: VKGL Data-share Consensus. Not counted in ClinVar's aggregate classification.

Joint Genome Diagnostic Labs from Nijmegen and Maastricht, Radboudumc and MUMC+
Classification: Benign. Review status: no assertion criteria provided. Collection method: clinical testing. Allele origin: germline. Affected: yes. Study: VKGL Data-share Consensus. Not counted in ClinVar's aggregate classification.